The following is an entry in ClinVar:

ClinVar aggregate classification (germline): Likely benign. Review status: criteria provided, single submitter (1 of 4 stars). 2 submissions from 2 submitters: Likely benign (1). 1 of the submissions does not count toward it. Last evaluated 2024-11-19.

Conditions:
POMC-related disorder. Also called: POMC-related disorders; POMC-related condition.

gnomAD v4.1: 4 of 1,592,874 alleles (0.00025%); highest among the groups gnomAD compares: African/African-American, 0.0027%; no homozygotes.

Submissions (2):

Labcorp Genetics (formerly Invitae), Labcorp
Classification: Likely benign. Last evaluated: 2024-11-19. Review status: criteria provided, single submitter. Criteria: Invitae Variant Classification Sherloc (09022015). Collection method: clinical testing. Allele origin: germline.

PreventionGenetics, part of Exact Sciences
Classification: Likely benign for POMC-related condition. Last evaluated: 2021-06-17. Review status: no assertion criteria provided. Collection method: clinical testing. Allele origin: germline. Not counted in ClinVar's aggregate classification.
Comment: This variant is classified as likely benign based on ACMG/AMP sequence variant interpretation guidelines (Richards et al. 2015 PMID: 25741868, with internal and published modifications).

NM_000939.4(POMC):c.168C>T (p.Ala56=)

Genes: POMC (proopiomelanocortin; minus strand), LOC129933280 (ATAC-STARR-seq lymphoblastoid silent region 11244; plus strand). Cytogenetic location: 2p23.3.
Variant type: single nucleotide variant.
Coding change: c.168C>T on transcript NM_000939.4 (MANE Select); coding-DNA position 168, C replaced by T.
Protein change: p.Ala56=; no amino-acid change (alanine 56 retained).
Molecular consequence: synonymous variant.
Genome position (GRCh38, 1-based): chr2:25,161,717, G>A on the plus strand (C>T on the coding strand, the complement: POMC is on the minus strand). VCF-style: chr2-25161717-G-A. GRCh37 (hg19) VCF-style: chr2-25384586-G-A.
Other names: c.168C>T, p.Ala56= (NM_001035256.3, NM_001319204.2, NM_001319205.2).
Identifiers: ClinVar variation 3357277 (VCV003357277.3).